The following is an entry in ClinVar:

ClinVar aggregate classification (germline): Uncertain significance (1 of 4 stars; one submission).

Conditions:
Hereditary cancer-predisposing syndrome. Also called: Neoplastic Syndromes, Hereditary; Tumor predisposition; Hereditary neoplastic syndrome; Hereditary Cancer Syndrome. Identifiers: Orphanet 140162, MedGen C0027672, MeSH D009386, MONDO:0015356.

Submission:

Ambry Genetics
Classification: Uncertain significance for Hereditary cancer-predisposing syndrome. Last evaluated: 2023-09-18. Review status: criteria provided, single submitter. Criteria: Ambry Variant Classification Scheme 2023. Collection method: clinical testing. Allele origin: germline.
Comment: The p.A566P variant (also known as c.1696G>C), located in coding exon 16 of the POLE gene, results from a G to C substitution at nucleotide position 1696. The alanine at codon 566 is replaced by proline, an amino acid with highly similar properties. This amino acid position is conserved. In addition, the in silico prediction for this alteration is inconclusive. Since supporting evidence is limited at this time, the clinical significance of this alteration remains unclear.

NM_006231.4(POLE):c.1696G>C (p.Ala566Pro)

Gene: POLE (DNA polymerase epsilon, catalytic subunit; minus strand). Cytogenetic location: 12q24.33.
Variant type: single nucleotide variant.
Coding change: c.1696G>C on transcript NM_006231.4 (MANE Select); coding-DNA position 1696, G replaced by C.
Protein change: p.Ala566Pro; replaces alanine 566 with proline.
Molecular consequence: missense variant.
Genome position (GRCh38, 1-based): chr12:132,672,313, C>G on the plus strand (G>C on the coding strand, the complement: POLE is on the minus strand). VCF-style: chr12-132672313-C-G. GRCh37 (hg19) VCF-style: chr12-133248899-C-G.
Other names: short protein forms A566P.
Identifiers: ClinVar variation 3225399 (VCV003225399.1), dbSNP rs773813430, ClinGen allele CA387356408.